The following is an entry in ClinVar:

NM_001014447.3(CPZ):c.654C>A (p.Asp218Glu)

Gene: CPZ (carboxypeptidase Z; plus strand). Cytogenetic location: 4p16.1.
Variant type: single nucleotide variant.
Coding change: c.654C>A on transcript NM_001014447.3 (MANE Select); coding-DNA position 654, C replaced by A.
Protein change: p.Asp218Glu; replaces aspartic acid 218 with glutamic acid.
Molecular consequence: missense variant.
Genome position (GRCh38, 1-based): chr4:8,604,133, C>A. VCF-style: chr4-8604133-C-A. GRCh37 (hg19) VCF-style: chr4-8605860-C-A.
Other names: c.243C>A, p.Asp81Glu (NM_001014448.3); c.621C>A, p.Asp207Glu (NM_003652.4); short protein forms D207E, D218E, D81E.
Identifiers: ClinVar variation 3038015 (VCV003038015.2), dbSNP rs28421391, ClinGen allele CA2853259.

ClinVar aggregate classification (germline): Benign (0 of 4 stars; one submission).

Conditions:
CPZ-related disorder. Also called: CPZ-related condition.

Allele frequency attached by ClinVar (database versions not stated): 1000 Genomes Project 0.00359; 1000 Genomes Project 30x 0.00437.
gnomAD v4.1: 12,677 of 1,591,682 alleles (0.8%); highest among the groups gnomAD compares: Middle Eastern, 3.3%; 85 homozygotes.

Submission:

PreventionGenetics, part of Exact Sciences
Classification: Benign for CPZ-related condition. Last evaluated: 2019-11-13. Review status: no assertion criteria provided. Collection method: clinical testing. Allele origin: germline.
Comment: This variant is classified as benign based on ACMG/AMP sequence variant interpretation guidelines (Richards et al. 2015 PMID: 25741868, with internal and published modifications).